The following is an entry in ClinVar:

ClinVar aggregate classification (germline): Uncertain significance (1 of 4 stars; one submission).

Conditions:
3-methylglutaconic aciduria type 1 (MGCA1). Identifiers: Orphanet 67046, MedGen C0342727, MONDO:0009610, OMIM 250950.

Allele frequency attached by ClinVar (database versions not stated): gnomAD 0.00001; TOPMed 0.00001; ExAC 0.00007.
gnomAD v4.1: 4 of 1,582,590 alleles (0.00025%); highest among the groups gnomAD compares: Non-Finnish European, 0.00034%; no homozygotes.

Submission:

Labcorp Genetics (formerly Invitae), Labcorp
Classification: Uncertain significance for 3-methylglutaconic aciduria type 1. Last evaluated: 2022-05-17. Review status: criteria provided, single submitter. Criteria: Invitae Variant Classification Sherloc (09022015). Collection method: clinical testing. Allele origin: germline.
Comment: This sequence change replaces arginine, which is basic and polar, with tryptophan, which is neutral and slightly polar, at codon 78 of the AUH protein (p.Arg78Trp). The frequency data for this variant in the population databases is considered unreliable, as metrics indicate poor data quality at this position in the gnomAD database. This variant has not been reported in the literature in individuals affected with AUH-related conditions. Algorithms developed to predict the effect of missense changes on protein structure and function are either unavailable or do not agree on the potential impact of this missense change (SIFT: "Deleterious"; PolyPhen-2: "Possibly Damaging"; Align-GVGD: "Class C0"). In summary, the available evidence is currently insufficient to determine the role of this variant in disease. Therefore, it has been classified as a Variant of Uncertain Significance.

NM_001698.3(AUH):c.232C>T (p.Arg78Trp)

Genes: AUH (AU RNA binding methylglutaconyl-CoA hydratase; minus strand), LOC130002059 (ATAC-STARR-seq lymphoblastoid silent region 20025; plus strand). Cytogenetic location: 9q22.31.
Variant type: single nucleotide variant.
Coding change: c.232C>T on transcript NM_001698.3 (MANE Select); coding-DNA position 232, C replaced by T.
Protein change: p.Arg78Trp; replaces arginine 78 with tryptophan.
Molecular consequence: missense variant. On other transcripts: 5 prime UTR variant (3).
Genome position (GRCh38, 1-based): chr9:91,361,658, G>A on the plus strand (C>T on the coding strand, the complement: AUH is on the minus strand). VCF-style: chr9-91361658-G-A. GRCh37 (hg19) VCF-style: chr9-94123940-G-A.
Other names: c.232C>T, p.Arg78Trp (NM_001306190.2); c.-166C>T (NM_001351431.2, NM_001351433.2); c.-258C>T (NM_001351432.2); short protein forms R78W.
Identifiers: ClinVar variation 1895705 (VCV001895705.5), dbSNP rs751843192, ClinGen allele CA5119939.